The following is an entry in ClinVar:

NM_001291303.3(FAT4):c.2214C>A (p.Val738=)

Gene: FAT4 (FAT atypical cadherin 4; plus strand). Cytogenetic location: 4q28.1.
Variant type: single nucleotide variant.
Coding change: c.2214C>A on transcript NM_001291303.3 (MANE Select); coding-DNA position 2214, C replaced by A.
Protein change: p.Val738=; no amino-acid change (valine 738 retained).
Molecular consequence: synonymous variant.
Genome position (GRCh38, 1-based): chr4:125,318,625, C>A. VCF-style: chr4-125318625-C-A. GRCh37 (hg19) VCF-style: chr4-126239780-C-A.
Other names: c.2214C>A (NM_001291303.1); c.2214C>A, p.Val738= (NM_001291285.3, NM_024582.6).
Identifiers: ClinVar variation 1943538 (VCV001943538.6), dbSNP rs753314680, ClinGen allele CA3072127.

ClinVar aggregate classification (germline): Conflicting classifications of pathogenicity. Review status: criteria provided, conflicting classifications (1 of 4 stars). 2 submissions from 2 submitters: Uncertain significance (1); Likely benign (1). Last evaluated 2025-09-20.

Conditions:
FAT4-related disorder. Also called: FAT4-related condition.

Allele frequency attached by ClinVar (database versions not stated): ExAC 0.00006.

Submissions (2):

Labcorp Genetics (formerly Invitae), Labcorp
Classification: Likely benign. Last evaluated: 2025-09-20. Review status: criteria provided, single submitter. Criteria: Invitae Variant Classification Sherloc (09022015). Collection method: clinical testing. Allele origin: germline.

PreventionGenetics, part of Exact Sciences
Classification: Uncertain significance for FAT4-related condition. Last evaluated: 2022-09-06. Review status: criteria provided, single submitter. Criteria: ACMG Guidelines, 2015. Collection method: clinical testing. Allele origin: germline.
Comment: The FAT4 c.2214C>A variant is not predicted to result in an amino acid change (p.=). This variant is predicted to alter splicing based on available splicing prediction programs (Alamut Visual plus v1.6.1). However, such computer prediction programs are imperfect. To our knowledge, this variant has not been reported in the literature. This variant is reported in 0.039% of alleles in individuals of South Asian descent in gnomAD. At this time, the clinical significance of this variant is uncertain due to the absence of conclusive functional and genetic evidence.